The following is an entry in ClinVar:

ClinVar aggregate classification (germline): Uncertain significance (1 of 4 stars; one submission).

Submission:

Ambry Genetics
Classification: Uncertain significance. Last evaluated: 2021-08-22. Review status: criteria provided, single submitter. Criteria: Ambry Variant Classification Scheme 2023. Collection method: clinical testing. Allele origin: germline.
Comment: The p.D81Y variant (also known as c.241G>T), located in coding exon 2 of the PDLIM3 gene, results from a G to T substitution at nucleotide position 241. The aspartic acid at codon 81 is replaced by tyrosine, an amino acid with highly dissimilar properties. This amino acid position is conserved. In addition, this alteration is predicted to be tolerated by in silico analysis. Since supporting evidence is limited at this time, the clinical significance of this alteration remains unclear.

NM_014476.6(PDLIM3):c.241G>T (p.Asp81Tyr)

Gene: PDLIM3 (PDZ and LIM domain 3; minus strand). Cytogenetic location: 4q35.1.
Variant type: single nucleotide variant.
Coding change: c.241G>T on transcript NM_014476.6 (MANE Select); coding-DNA position 241, G replaced by T.
Protein change: p.Asp81Tyr; replaces aspartic acid 81 with tyrosine.
Molecular consequence: missense variant. On other transcripts: non-coding transcript variant (1), intron variant (1).
Genome position (GRCh38, 1-based): chr4:185,525,024, C>A on the plus strand (G>T on the coding strand, the complement: PDLIM3 is on the minus strand). VCF-style: chr4-185525024-C-A. GRCh37 (hg19) VCF-style: chr4-186446178-C-A.
Other names: c.241G>T, p.Asp81Tyr (NM_001114107.5, NM_001257962.2); c.93+10318G>T (NM_001257963.2); short protein forms D81Y.
Identifiers: ClinVar variation 1791004 (VCV001791004.2), dbSNP rs2478427171, ClinGen allele CA358928441.